The following is an entry in ClinVar:

NM_002661.5(PLCG2):c.1436G>A (p.Gly479Glu)

Gene: PLCG2 (phospholipase C gamma 2; plus strand). Cytogenetic location: 16q23.3.
Variant type: single nucleotide variant.
Coding change: c.1436G>A on transcript NM_002661.5 (MANE Select); coding-DNA position 1436, G replaced by A.
Protein change: p.Gly479Glu; replaces glycine 479 with glutamic acid.
Molecular consequence: missense variant.
Genome position (GRCh38, 1-based): chr16:81,905,476, G>A. VCF-style: chr16-81905476-G-A. GRCh37 (hg19) VCF-style: chr16-81939081-G-A.
Other names: short protein forms G479E.
Identifiers: ClinVar variation 1367663 (VCV001367663.8), dbSNP rs1389072647, ClinGen allele CA396899740.

ClinVar aggregate classification (germline): Uncertain significance (1 of 4 stars; one submission).

Conditions:
Familial cold autoinflammatory syndrome 3 (FCAS3). Also called: ANTIBODY DEFICIENCY AND IMMUNE DYSREGULATION, PLCG2-ASSOCIATED; FAMILIAL ATYPICAL COLD URTICARIA. Identifiers: Orphanet 300359, MedGen C3280914, MONDO:0013766, OMIM 614468.

Submission:

Labcorp Genetics (formerly Invitae), Labcorp
Classification: Uncertain significance for Familial cold autoinflammatory syndrome 3. Last evaluated: 2022-07-25. Review status: criteria provided, single submitter. Criteria: Invitae Variant Classification Sherloc (09022015). Collection method: clinical testing. Allele origin: germline.
Comment: In summary, the available evidence is currently insufficient to determine the role of this variant in disease. Therefore, it has been classified as a Variant of Uncertain Significance. Algorithms developed to predict the effect of missense changes on protein structure and function (SIFT, PolyPhen-2, Align-GVGD) all suggest that this variant is likely to be disruptive. ClinVar contains an entry for this variant (Variation ID: 1367663). This variant has not been reported in the literature in individuals affected with PLCG2-related conditions. This variant is not present in population databases (gnomAD no frequency). This sequence change replaces glycine, which is neutral and non-polar, with glutamic acid, which is acidic and polar, at codon 479 of the PLCG2 protein (p.Gly479Glu).